The following is an entry in ClinVar:

ClinVar aggregate classification (germline): Uncertain significance. Review status: criteria provided, multiple submitters, no conflicts (2 of 4 stars). 2 submissions from 2 submitters: Uncertain significance (2). Last evaluated 2025-04-02.

Conditions:
Hoyeraal-Hreidarsson syndrome (HHS). Also called: CEREBELLAR HYPOPLASIA WITH PANCYTOPENIA. Identifiers: Orphanet 3322, MedGen C1846142, MONDO:0018045.
Autosomal recessive dyskeratosis congenita. Identifiers: MedGen C3502105.

Allele frequency attached by ClinVar (database versions not stated): ExAC 0.00011; gnomAD exomes 0.00014; ESP Exome Variant Server 0.00015; TOPMed 0.00015; gnomAD 0.00018 and 0.00019; 1000 Genomes Project 0.00020; 1000 Genomes Project 30x 0.00031.

Submissions (2):

Ambry Genetics
Classification: Uncertain significance. Last evaluated: 2025-04-02. Review status: criteria provided, single submitter. Criteria: Ambry Variant Classification Scheme 2023. Collection method: clinical testing. Allele origin: germline.

Labcorp Genetics (formerly Invitae), Labcorp
Classification: Uncertain significance for Hoyeraal-Hreidarsson syndrome; Autosomal recessive dyskeratosis congenita. Last evaluated: 2025-03-31. Review status: criteria provided, single submitter. Criteria: Invitae Variant Classification Sherloc (09022015). Collection method: clinical testing. Allele origin: germline.
Comment: This sequence change replaces serine, which is neutral and polar, with phenylalanine, which is neutral and non-polar, at codon 418 of the DCLRE1B protein (p.Ser418Phe). This variant is present in population databases (rs202133913, gnomAD 0.1%), and has an allele count higher than expected for a pathogenic variant. This variant has not been reported in the literature in individuals affected with DCLRE1B-related conditions. ClinVar contains an entry for this variant (Variation ID: 640672). An algorithm developed to predict the effect of missense changes on protein structure and function (PolyPhen-2) suggests that this variant is likely to be disruptive. In summary, the available evidence is currently insufficient to determine the role of this variant in disease. Therefore, it has been classified as a Variant of Uncertain Significance.

NM_022836.4(DCLRE1B):c.1253C>T (p.Ser418Phe)

Gene: DCLRE1B (DNA cross-link repair 1B; plus strand). Cytogenetic location: 1p13.2.
Variant type: single nucleotide variant.
Coding change: c.1253C>T on transcript NM_022836.4 (MANE Select); coding-DNA position 1253, C replaced by T.
Protein change: p.Ser418Phe; replaces serine 418 with phenylalanine.
Molecular consequence: missense variant. On other transcripts: intron variant (2).
Genome position (GRCh38, 1-based): chr1:113,911,845, C>T. VCF-style: chr1-113911845-C-T. GRCh37 (hg19) VCF-style: chr1-114454467-C-T.
Other names: c.875C>T, p.Ser292Phe (NM_001319946.2, NM_001319947.2); c.1246+7C>T (NM_001363690.2); c.868+7C>T (NM_001363691.2); c.1253C>T, p.Ser418Phe (LRG_1219t1); short protein forms S292F, S418F.
Identifiers: ClinVar variation 640672 (VCV000640672.13), dbSNP rs202133913, ClinGen allele CA1016554.